The following is an entry in ClinVar:

NM_198578.4(LRRK2):c.2221G>A (p.Gly741Arg)

Gene: LRRK2 (leucine rich repeat kinase 2; plus strand). Cytogenetic location: 12q12.
Variant type: single nucleotide variant.
Coding change: c.2221G>A on transcript NM_198578.4 (MANE Select); coding-DNA position 2221, G replaced by A.
Protein change: p.Gly741Arg; replaces glycine 741 with arginine.
Molecular consequence: missense variant.
Genome position (GRCh38, 1-based): chr12:40,278,241, G>A. VCF-style: chr12-40278241-G-A. GRCh37 (hg19) VCF-style: chr12-40672043-G-A.
Other names: short protein forms G741R.
Identifiers: ClinVar variation 2453067 (VCV002453067.3), dbSNP rs773128974, ClinGen allele CA384405294.

ClinVar aggregate classification (germline): Uncertain significance. Review status: criteria provided, multiple submitters, no conflicts (2 of 4 stars). 2 submissions from 2 submitters: Uncertain significance (2). Last evaluated 2026-02-14.

Conditions:
Inborn genetic diseases. Identifiers: MedGen C0950123, MeSH D030342.

Allele frequency attached by ClinVar (database versions not stated): gnomAD 0.00001.
gnomAD v4.1: 1 of 1,613,874 alleles (0.000062%); highest among the groups gnomAD compares: African/African-American, 0.0013%; no homozygotes.

Submissions (2):

GeneDx
Classification: Uncertain significance. Last evaluated: 2026-02-14. Review status: criteria provided, single submitter. Criteria: GeneDx Variant Classification Process June 2021. Collection method: clinical testing. Allele origin: germline.
Comment: Not observed at significant frequency in large population cohorts (gnomAD); In silico analysis suggests that this missense variant does not alter protein structure/function; Has not been previously published as pathogenic or benign to our knowledge

Ambry Genetics
Classification: Uncertain significance for Inborn genetic diseases. Last evaluated: 2022-12-24. Review status: criteria provided, single submitter. Criteria: Ambry Variant Classification Scheme 2023. Collection method: clinical testing. Allele origin: germline.
Comment: The p.G741R variant (also known as c.2221G>A), located in coding exon 18 of the LRRK2 gene, results from a G to A substitution at nucleotide position 2221. The glycine at codon 741 is replaced by arginine, an amino acid with dissimilar properties. This amino acid position is conserved. In addition, this alteration is predicted to be tolerated by in silico analysis. Since supporting evidence is limited at this time, the clinical significance of this alteration remains unclear.